The following is an entry in ClinVar:

ClinVar aggregate classification (germline): Uncertain significance. Review status: criteria provided, multiple submitters, no conflicts (2 of 4 stars). 2 submissions from 2 submitters: Uncertain significance (2). Last evaluated 2024-07-23.

Conditions:
PHGDH deficiency. Identifiers: Orphanet 79351, MedGen C1866174, MONDO:0011152, OMIM 601815.

Allele frequency attached by ClinVar (database versions not stated): gnomAD exomes below 0.00001; ExAC 0.00001; gnomAD 0.00001; TOPMed 0.00001.
gnomAD v4.1: 4 of 1,613,792 alleles (0.00025%); highest among the groups gnomAD compares: East Asian, 0.0022%; no homozygotes.

Submissions (2):

GeneDx
Classification: Uncertain significance. Last evaluated: 2024-07-23. Review status: criteria provided, single submitter. Criteria: GeneDx Variant Classification Process June 2021. Collection method: clinical testing. Allele origin: germline. Affected: yes.
Comment: Not observed at significant frequency in large population cohorts (gnomAD); In silico analysis supports a deleterious effect on splicing; This variant is associated with the following publications: (PMID: 36307859, 31994750)

Broad Center for Mendelian Genomics, Broad Institute of MIT and Harvard
Classification: Uncertain significance for PHGDH deficiency. Last evaluated: 2023-05-02. Review status: criteria provided, single submitter. Criteria: ACMG Guidelines, 2015. Collection method: curation. Allele origin: germline. Inheritance: Autosomal recessive inheritance.
Comment: Trio exome analysis showed this variant to be in trans with a variant of uncertain significance (dbSNP ID: rs560821111). The c.511-5A>G variant in PHGDH has been identified in one individual with Neu-Laxova syndrome 1 (PMID: 31994750), who was homozygous for the variant, but has been identified in 0.0015% (1/68024) of European (non-Finnish) chromosomes by the Genome Aggregation Database (gnomAD; dbSNP ID: rs200683713). Although this variant has been seen in the general population in a heterozygous state, its frequency is low enough to be consistent with a recessive carrier frequency. This variant is located in the 3‚Äô splice region. Computational tools do suggest an impact to splicing. However, this information is not predictive enough to determine pathogenicity. In summary, the clinical significance of the c.511-5A>G variant is uncertain. ACMG/AMP Criteria applied: PM2_Supporting, PM3_Supporting, PP3 (Richards 2015).

NM_006623.4(PHGDH):c.511-5A>G

Gene: PHGDH (phosphoglycerate dehydrogenase; plus strand). Cytogenetic location: 1p12.
Variant type: single nucleotide variant.
Coding change: c.511-5A>G on transcript NM_006623.4 (MANE Select); 5 bases into the intron before coding-DNA position 511, A replaced by G.
Molecular consequence: intron variant.
Genome position (GRCh38, 1-based): chr1:119,734,629, A>G. VCF-style: chr1-119734629-A-G. GRCh37 (hg19) VCF-style: chr1-120277252-A-G.
Other names: NM_006623.4:c.511-5A>G.
Identifiers: ClinVar variation 2500949 (VCV002500949.2), dbSNP rs200683713, ClinGen allele CA1037136.